The following is an entry in ClinVar:

ClinVar aggregate classification (germline): Uncertain significance (1 of 4 stars; one submission).

Submission:

Labcorp Genetics (formerly Invitae), Labcorp
Classification: Uncertain significance. Last evaluated: 2024-12-07. Review status: criteria provided, single submitter. Criteria: Invitae Variant Classification Sherloc (09022015). Collection method: clinical testing. Allele origin: germline.
Comment: This sequence change replaces aspartic acid, which is acidic and polar, with alanine, which is neutral and non-polar, at codon 168 of the RS1 protein (p.Asp168Ala). This variant is not present in population databases (gnomAD no frequency). This variant has not been reported in the literature in individuals affected with RS1-related conditions. Invitae Evidence Modeling of protein sequence and biophysical properties (such as structural, functional, and spatial information, amino acid conservation, physicochemical variation, residue mobility, and thermodynamic stability) indicates that this missense variant is expected to disrupt RS1 protein function with a positive predictive value of 95%. In summary, the available evidence is currently insufficient to determine the role of this variant in disease. Therefore, it has been classified as a Variant of Uncertain Significance.

NM_000330.4(RS1):c.503A>C (p.Asp168Ala)

Genes: CDKL5 (cyclin dependent kinase like 5; plus strand), RS1 (retinoschisin 1; minus strand). Cytogenetic location: Xp22.13.
Variant type: single nucleotide variant.
Coding change: c.503A>C on transcript NM_000330.4 (MANE Select); coding-DNA position 503, A replaced by C.
Protein change: p.Asp168Ala; replaces aspartic acid 168 with alanine.
Molecular consequence: missense variant. On other transcripts: intron variant (2).
Genome position (GRCh38, 1-based): chrX:18,644,449, T>G on the plus strand (A>C on the coding strand, the complement: RS1 is on the minus strand). VCF-style: chrX-18644449-T-G. GRCh37 (hg19) VCF-style: chrX-18662569-T-G.
Other names: c.2714-1558T>G (NM_003159.3, NM_001037343.2); short protein forms D168A.
Identifiers: ClinVar variation 3634777 (VCV003634777.2).